The following is an entry in ClinVar:

NM_001378454.1(ALMS1):c.4447A>G (p.Ile1483Val)

Gene: ALMS1 (ALMS1 centrosome and basal body associated protein; plus strand). Cytogenetic location: 2p13.1.
Variant type: single nucleotide variant.
Coding change: c.4447A>G on transcript NM_001378454.1 (MANE Select); coding-DNA position 4447, A replaced by G.
Protein change: p.Ile1483Val; replaces isoleucine 1483 with valine.
Molecular consequence: missense variant.
Genome position (GRCh38, 1-based): chr2:73,450,974, A>G. VCF-style: chr2-73450974-A-G. GRCh37 (hg19) VCF-style: chr2-73678101-A-G.
Other names: c.4450A>G, p.Ile1484Val (NM_015120.4); short protein forms I1483V, I1484V.
Identifiers: ClinVar variation 1215011 (VCV001215011.8), dbSNP rs749573527, ClinGen allele CA1713712.

ClinVar aggregate classification (germline): Uncertain significance. Review status: criteria provided, multiple submitters, no conflicts (2 of 4 stars). 3 submissions from 3 submitters: Uncertain significance (2). 1 of the submissions does not count toward it. Last evaluated 2025-01-27.

Conditions:
Alstrom syndrome (ALMS). Identifiers: Orphanet 64, MedGen C0268425, MONDO:0008763, OMIM 203800.

Allele frequency attached by ClinVar (database versions not stated): gnomAD exomes 0.00001 and 0.00003; ExAC 0.00004.
gnomAD v4.1: 14 of 1,613,866 alleles (0.00087%); highest among the groups gnomAD compares: Admixed American, 0.0067%; no homozygotes.

Submissions (3):

Labcorp Genetics (formerly Invitae), Labcorp
Classification: Uncertain significance for Alstrom syndrome. Last evaluated: 2025-01-27. Review status: criteria provided, single submitter. Criteria: Invitae Variant Classification Sherloc (09022015). Collection method: clinical testing. Allele origin: germline.
Comment: This sequence change replaces isoleucine, which is neutral and non-polar, with valine, which is neutral and non-polar, at codon 1484 of the ALMS1 protein (p.Ile1484Val). This variant is present in population databases (rs749573527, gnomAD 0.01%). This variant has not been reported in the literature in individuals affected with ALMS1-related conditions. ClinVar contains an entry for this variant (Variation ID: 1215011). Experimental studies and prediction algorithms are not available or were not evaluated, and the functional significance of this variant is currently unknown. In summary, the available evidence is currently insufficient to determine the role of this variant in disease. Therefore, it has been classified as a Variant of Uncertain Significance.

GeneDx
Classification: Uncertain significance. Last evaluated: 2019-06-11. Review status: criteria provided, single submitter. Criteria: GeneDx Variant Classification Process June 2021. Collection method: clinical testing. Allele origin: germline. Affected: yes.
Comment: In silico analysis, which includes protein predictors and evolutionary conservation, supports that this variant does not alter protein structure/function; Has not been previously published as pathogenic or benign to our knowledge; Not observed at a significant frequency in large population cohorts (Lek et al., 2016)

Natera, Inc.
Classification: Uncertain significance for Alstrom syndrome. Last evaluated: 2020-07-13. Review status: no assertion criteria provided. Collection method: clinical testing. Allele origin: germline. Not counted in ClinVar's aggregate classification.